The following is an entry in ClinVar:

NM_015915.5(ATL1):c.628C>A (p.Gln210Lys)

Gene: ATL1 (atlastin GTPase 1; plus strand). Cytogenetic location: 14q22.1.
Variant type: single nucleotide variant.
Coding change: c.628C>A on transcript NM_015915.5 (MANE Select); coding-DNA position 628, C replaced by A.
Protein change: p.Gln210Lys; replaces glutamine 210 with lysine.
Molecular consequence: missense variant.
Genome position (GRCh38, 1-based): chr14:50,595,630, C>A. VCF-style: chr14-50595630-C-A. GRCh37 (hg19) VCF-style: chr14-51062348-C-A.
Other names: c.628C>A, p.Gln210Lys (NM_001127713.1, NM_181598.4); short protein forms Q210K.
Identifiers: ClinVar variation 1695528 (VCV001695528.2), dbSNP rs2140209904, ClinGen allele CA389669053.

ClinVar aggregate classification (germline): Uncertain significance (1 of 4 stars; one submission).

Submission:

GeneDx
Classification: Uncertain significance. Last evaluated: 2022-01-05. Review status: criteria provided, single submitter. Criteria: GeneDx Variant Classification Process June 2021. Collection method: clinical testing. Allele origin: germline. Affected: yes.
Comment: Not observed at significant frequency in large population cohorts (gnomAD); In silico analysis supports that this missense variant has a deleterious effect on protein structure/function; Has not been previously published as pathogenic or benign to our knowledge; In-silico analysis is inconclusive as to whether the variant alters gene splicing. In the absence of RNA/functional studies, the actual effect of this sequence change is unknown.